The following is an entry in ClinVar:

ClinVar aggregate classification (germline): Likely pathogenic (1 of 4 stars; one submission).

Conditions:
KYNU-related disorder. Also called: KYNU-related condition; KYNU-related disorders.

Allele frequency attached by ClinVar (database versions not stated): TOPMed below 0.00001; gnomAD 0.00001.
gnomAD v4.1: 6 of 1,575,920 alleles (0.00038%); highest among the groups gnomAD compares: Non-Finnish European, 0.00052%; no homozygotes.

Submission:

Rady Children's Institute for Genomic Medicine, Rady Children's Hospital San Diego
Classification: Likely pathogenic for KYNU-related disorders. Review status: criteria provided, single submitter. Criteria: ACMG Guidelines, 2015. Collection method: clinical testing. Allele origin: germline. Affected: yes.
Comment: This nonsense variant found in exon 9 of 14 is predicted to result in loss of normal protein function through either protein truncation or nonsense-mediated mRNA decay (NMD). This variant has not been previously reported or functionally characterized in the literature to our knowledge. It is absent from the gnomAD population database and thus is presumed to be rare. Based on the available evidence, the c.825C>A (p.Tyr275Ter) variant is classified as Likely Pathogenic.

NM_003937.3(KYNU):c.825C>A (p.Tyr275Ter)

Gene: KYNU (kynureninase; plus strand). Cytogenetic location: 2q22.2.
Variant type: single nucleotide variant.
Coding change: c.825C>A on transcript NM_003937.3 (MANE Select); coding-DNA position 825, C replaced by A.
Protein change: p.Tyr275Ter; replaces tyrosine 275 with a stop codon.
Molecular consequence: nonsense.
Genome position (GRCh38, 1-based): chr2:142,985,179, C>A. VCF-style: chr2-142985179-C-A. GRCh37 (hg19) VCF-style: chr2-143742748-C-A.
Other names: c.825C>A, p.Tyr275Ter (NM_001032998.2, NM_001199241.2); short protein forms Y275*.
Identifiers: ClinVar variation 2584441 (VCV002584441.1), dbSNP rs1685164393, ClinGen allele CA348849871.